The following is an entry in ClinVar:

NM_007348.4(ATF6):c.1508A>G (p.Asn503Ser)

Gene: ATF6 (activating transcription factor 6; plus strand). Cytogenetic location: 1q23.3.
Variant type: single nucleotide variant.
Coding change: c.1508A>G on transcript NM_007348.4 (MANE Select); coding-DNA position 1508, A replaced by G.
Protein change: p.Asn503Ser; replaces asparagine 503 with serine.
Molecular consequence: missense variant.
Genome position (GRCh38, 1-based): chr1:161,853,298, A>G. VCF-style: chr1-161853298-A-G. GRCh37 (hg19) VCF-style: chr1-161823088-A-G.
Other names: short protein forms N503S.
Identifiers: ClinVar variation 933359 (VCV000933359.4), dbSNP rs1277627481, ClinGen allele CA343381167.
Genomic context (GRCh38, chr1:161,853,298, plus strand): 5'-TTCGAGGATGGGTTCATAGACATGAAGTAGAAAGGACCAAGTCAAGAAGAATGACAAATA[A>G]TCAACAGAAAACCCGTATTCTTCAGGTATGTTTCTGTTTGTCTTTGAACAATAGTTGGCG-3'
Protein context (NP_031374.2, residues 493-513): ERTKSRRMTN[Asn503Ser]QQKTRILQGA

ClinVar aggregate classification (germline): Uncertain significance (1 of 4 stars; one submission).

Allele frequency attached by ClinVar (database versions not stated): TOPMed 0.00001; gnomAD exomes below 0.00001.
gnomAD v4.1: 1 of 1,613,590 alleles (0.000062%); highest among the groups gnomAD compares: Admixed American, 0.0017%; no homozygotes.

Submission:

Labcorp Genetics (formerly Invitae), Labcorp
Classification: Uncertain significance. Last evaluated: 2022-02-04. Review status: criteria provided, single submitter. Criteria: Invitae Variant Classification Sherloc (09022015). Collection method: clinical testing. Allele origin: germline.
Comment: In summary, the available evidence is currently insufficient to determine the role of this variant in disease. Therefore, it has been classified as a Variant of Uncertain Significance. Algorithms developed to predict the effect of missense changes on protein structure and function output the following: SIFT: "Tolerated"; PolyPhen-2: "Benign"; Align-GVGD: "Class C0". The serine amino acid residue is found in multiple mammalian species, which suggests that this missense change does not adversely affect protein function. ClinVar contains an entry for this variant (Variation ID: 933359). This variant has not been reported in the literature in individuals affected with ATF6-related conditions. This variant is present in population databases (no rsID available, gnomAD 0.003%). This sequence change replaces asparagine, which is neutral and polar, with serine, which is neutral and polar, at codon 503 of the ATF6 protein (p.Asn503Ser).